The following is an entry in ClinVar:

ClinVar aggregate classification (germline): Uncertain significance (1 of 4 stars; one submission).

Submission:

Labcorp Genetics (formerly Invitae), Labcorp
Classification: Uncertain significance. Last evaluated: 2023-09-01. Review status: criteria provided, single submitter. Criteria: Invitae Variant Classification Sherloc (09022015). Collection method: clinical testing. Allele origin: germline.
Comment: This variant is not present in population databases (gnomAD no frequency). This variant has not been reported in the literature in individuals affected with CLCN5-related conditions. An algorithm developed to predict the effect of missense changes on protein structure and function (PolyPhen-2) suggests that this variant is likely to be disruptive. In summary, the available evidence is currently insufficient to determine the role of this variant in disease. Therefore, it has been classified as a Variant of Uncertain Significance. This sequence change replaces phenylalanine, which is neutral and non-polar, with tyrosine, which is neutral and polar, at codon 310 of the CLCN5 protein (p.Phe310Tyr).

NM_001127898.4(CLCN5):c.1139T>A (p.Phe380Tyr)

Gene: CLCN5 (chloride voltage-gated channel 5; plus strand). Cytogenetic location: Xp11.23.
Variant type: single nucleotide variant.
Coding change: c.1139T>A on transcript NM_001127898.4 (MANE Select); coding-DNA position 1139, T replaced by A.
Protein change: p.Phe380Tyr; replaces phenylalanine 380 with tyrosine.
Molecular consequence: missense variant.
Genome position (GRCh38, 1-based): chrX:50,086,452, T>A. VCF-style: chrX-50086452-T-A. GRCh37 (hg19) VCF-style: chrX-49851109-T-A.
Other names: c.929T>A, p.Phe310Tyr (NM_000084.5); c.1139T>A, p.Phe380Tyr (NM_001127899.4); c.989T>A, p.Phe330Tyr (NM_001282163.2); short protein forms F330Y, F310Y, F380Y.
Identifiers: ClinVar variation 2757306 (VCV002757306.3), dbSNP rs1933889962, ClinGen allele CA413185272.